The following is an entry in ClinVar:

NM_000478.6(ALPL):c.536C>T (p.Ala179Val)

Gene: ALPL (alkaline phosphatase, biomineralization associated; plus strand). Cytogenetic location: 1p36.12.
Variant type: single nucleotide variant.
Coding change: c.536C>T on transcript NM_000478.6 (MANE Select); coding-DNA position 536, C replaced by T.
Protein change: p.Ala179Val; replaces alanine 179 with valine.
Molecular consequence: missense variant.
Genome position (GRCh38, 1-based): chr1:21,564,104, C>T. VCF-style: chr1-21564104-C-T. GRCh37 (hg19) VCF-style: chr1-21890597-C-T.
Other names: c.371C>T, p.Ala124Val (NM_001127501.4); c.305C>T, p.Ala102Val (NM_001177520.3); c.536C>T, p.Ala179Val (NM_001369803.2, NM_001369804.2, NM_001369805.2); short protein forms A179V, A124V, A102V.
Identifiers: ClinVar variation 1520525 (VCV001520525.6), dbSNP rs748250829, ClinGen allele CA666525.

ClinVar aggregate classification (germline): Likely pathogenic (1 of 4 stars; one submission).

Allele frequency attached by ClinVar (database versions not stated): gnomAD exomes below 0.00001; ExAC 0.00001.

Submission:

Labcorp Genetics (formerly Invitae), Labcorp
Classification: Likely pathogenic. Last evaluated: 2021-12-23. Review status: criteria provided, single submitter. Criteria: Invitae Variant Classification Sherloc (09022015). Collection method: clinical testing. Allele origin: germline.
Comment: This sequence change replaces alanine, which is neutral and non-polar, with valine, which is neutral and non-polar, at codon 179 of the ALPL protein (p.Ala179Val). This variant is present in population databases (rs748250829, gnomAD 0.007%). This variant has not been reported in the literature in individuals affected with ALPL-related conditions. Advanced modeling of protein sequence and biophysical properties (such as structural, functional, and spatial information, amino acid conservation, physicochemical variation, residue mobility, and thermodynamic stability) performed at Invitae indicates that this missense variant is expected to disrupt ALPL protein function. This variant disrupts the p.Ala179 amino acid residue in ALPL. Other variant(s) that disrupt this residue have been determined to be pathogenic (PMID: 3174660, 11438998). This suggests that this residue is clinically significant, and that variants that disrupt this residue are likely to be disease-causing. In summary, the currently available evidence indicates that the variant is pathogenic, but additional data are needed to prove that conclusively. Therefore, this variant has been classified as Likely Pathogenic.

Literature cited by the submitters: PubMed 3174660; PubMed 11438998.